The following is an entry in ClinVar:

NM_152703.5(SAMD9L):c.269T>C (p.Leu90Ser)

Gene: SAMD9L (sterile alpha motif domain containing 9 like; minus strand). Cytogenetic location: 7q21.2.
Variant type: single nucleotide variant.
Coding change: c.269T>C on transcript NM_152703.5 (MANE Select); coding-DNA position 269, T replaced by C.
Protein change: p.Leu90Ser; replaces leucine 90 with serine.
Molecular consequence: missense variant.
Genome position (GRCh38, 1-based): chr7:93,135,703, A>G on the plus strand (T>C on the coding strand, the complement: SAMD9L is on the minus strand). VCF-style: chr7-93135703-A-G. GRCh37 (hg19) VCF-style: chr7-92765016-A-G.
Other names: c.269T>C, p.Leu90Ser (NM_001303496.3, NM_001303497.3, NM_001303498.3 and 5 more transcripts); c.269T>C (NM_152703.2); short protein forms L90S.
Identifiers: ClinVar variation 1718570 (VCV001718570.6), dbSNP rs2535439937, ClinGen allele CA368206360.
Genomic context (GRCh38, chr7:93,135,703, plus strand): 5'-TCCTTTTTGGTGTGTTTTGGATTTTTCTGGTGTTCTGTTTTGGACGGTTTTGAATTATCT[A>G]ATTGTCCCGGATCATGATTGTCACTTTCAGGGGACTTACTATTCAATTTGTTGTATGAAC-3'
Protein context (NP_689916.2, residues 80-100): PESDNHDPGQ[Leu90Ser]DNSKPSKTEH

ClinVar aggregate classification (germline): Uncertain significance. Review status: criteria provided, multiple submitters, no conflicts (2 of 4 stars). 2 submissions from 2 submitters: Uncertain significance (2). Last evaluated 2025-04-07.

Conditions:
Inborn genetic diseases. Identifiers: MedGen C0950123, MeSH D030342.

Submissions (2):

Ambry Genetics
Classification: Uncertain significance for Inborn genetic diseases. Last evaluated: 2025-04-07. Review status: criteria provided, single submitter. Criteria: Ambry Variant Classification Scheme 2023. Collection method: clinical testing. Allele origin: germline.
Comment: The p.L90S variant (also known as c.269T>C), located in coding exon 1 of the SAMD9L gene, results from a T to C substitution at nucleotide position 269. The leucine at codon 90 is replaced by serine, an amino acid with dissimilar properties. This amino acid position is conserved. In addition, this alteration is predicted to be tolerated by in silico analysis. Based on the available evidence, the clinical significance of this variant remains unclear.

Labcorp Genetics (formerly Invitae), Labcorp
Classification: Uncertain significance. Last evaluated: 2023-05-19. Review status: criteria provided, single submitter. Criteria: Invitae Variant Classification Sherloc (09022015). Collection method: clinical testing. Allele origin: germline.
Comment: In summary, the available evidence is currently insufficient to determine the role of this variant in disease. Therefore, it has been classified as a Variant of Uncertain Significance. Algorithms developed to predict the effect of missense changes on protein structure and function output the following: SIFT: "Not Available"; PolyPhen-2: "Benign"; Align-GVGD: "Not Available". The serine amino acid residue is found in multiple mammalian species, which suggests that this missense change does not adversely affect protein function. ClinVar contains an entry for this variant (Variation ID: 1718570). This variant has not been reported in the literature in individuals affected with SAMD9L-related conditions. This variant is not present in population databases (gnomAD no frequency). This sequence change replaces leucine, which is neutral and non-polar, with serine, which is neutral and polar, at codon 90 of the SAMD9L protein (p.Leu90Ser).